The following is an entry in ClinVar:

NM_000342.4(SLC4A1):c.1462G>T (p.Val488Leu)

Gene: SLC4A1 (solute carrier family 4 member 1 (Diego blood group); minus strand). Cytogenetic location: 17q21.31.
Variant type: single nucleotide variant.
Coding change: c.1462G>T on transcript NM_000342.4 (MANE Select); coding-DNA position 1462, G replaced by T.
Protein change: p.Val488Leu; replaces valine 488 with leucine.
Molecular consequence: missense variant.
Genome position (GRCh38, 1-based): chr17:44,257,514, C>A on the plus strand (G>T on the coding strand, the complement: SLC4A1 is on the minus strand). VCF-style: chr17-44257514-C-A. GRCh37 (hg19) VCF-style: chr17-42334882-C-A.
Other names: p.Val488Leu; short protein forms V488L.
Identifiers: ClinVar variation 4080096 (VCV004080096.2).

ClinVar aggregate classification (germline): Uncertain significance. Review status: criteria provided, multiple submitters, no conflicts (2 of 4 stars). 2 submissions from 2 submitters: Uncertain significance (2). Last evaluated 2025-07-29.

Submissions (2):

Mayo Clinic Laboratories, Mayo Clinic
Classification: Uncertain significance. Last evaluated: 2025-07-29. Review status: criteria provided, single submitter. Criteria: ACMG Guidelines, 2015. Collection method: clinical testing. Allele origin: germline. Observed: 1 variant allele.
Comment: PM2_supporting, PM5

Revvity Omics, Revvity
Classification: Uncertain significance. Last evaluated: 2024-11-06. Review status: criteria provided, single submitter. Criteria: ACMG Guidelines, 2015. Collection method: clinical testing. Allele origin: germline.